The following is an entry in ClinVar:

NM_001291415.2(KDM6A):c.130G>C (p.Glu44Gln)

Gene: KDM6A (lysine demethylase 6A; plus strand). Cytogenetic location: Xp11.3.
Variant type: single nucleotide variant.
Coding change: c.130G>C on transcript NM_001291415.2 (MANE Select); coding-DNA position 130, G replaced by C.
Protein change: p.Glu44Gln; replaces glutamic acid 44 with glutamine.
Molecular consequence: missense variant. On other transcripts: 5 prime UTR variant (1), non-coding transcript variant (1).
Genome position (GRCh38, 1-based): chrX:44,873,681, G>C. VCF-style: chrX-44873681-G-C. GRCh37 (hg19) VCF-style: chrX-44732927-G-C.
Other names: c.130G>C, p.Glu44Gln (NM_001291416.2, NM_001291417.2, NM_001291418.2 and 2 more transcripts); c.-503G>C (NM_001291421.2); short protein forms E44Q.
Identifiers: ClinVar variation 2446077 (VCV002446077.2), dbSNP rs2146444057, ClinGen allele CA413020345.

ClinVar aggregate classification (germline): Uncertain significance (1 of 4 stars; one submission).

Submission:

GeneDx
Classification: Uncertain significance. Last evaluated: 2024-02-14. Review status: criteria provided, single submitter. Criteria: GeneDx Variant Classification Process June 2021. Collection method: clinical testing. Allele origin: germline.
Comment: Not observed at significant frequency in large population cohorts (gnomAD); In silico analysis supports that this missense variant does not alter protein structure/function; Has not been previously published as pathogenic or benign to our knowledge